The following is an entry in ClinVar:

NM_022489.4(INF2):c.3684G>A (p.Arg1228=)

Gene: INF2 (inverted formin 2; plus strand). Cytogenetic location: 14q32.33.
Variant type: single nucleotide variant.
Coding change: c.3684G>A on transcript NM_022489.4 (MANE Select); coding-DNA position 3684, G replaced by A.
Protein change: p.Arg1228=; no amino-acid change (arginine 1228 retained).
Molecular consequence: synonymous variant.
Genome position (GRCh38, 1-based): chr14:104,714,846, G>A. VCF-style: chr14-104714846-G-A. GRCh37 (hg19) VCF-style: chr14-105181183-G-A.
Other names: c.3684G>A, p.Arg1228= (NM_001031714.4).
Identifiers: ClinVar variation 312712 (VCV000312712.18), dbSNP rs189263181, ClinGen allele CA7373343.

ClinVar aggregate classification (germline): Benign/Likely benign. Review status: criteria provided, multiple submitters, no conflicts (2 of 4 stars). 5 submissions from 5 submitters: Benign (3); Likely benign (2). Last evaluated 2026-01-24.

Conditions:
Focal segmental glomerulosclerosis 5 (FSGS5). Identifiers: Orphanet 656, MedGen C2750475, MONDO:0013191, OMIM 613237.
Inborn genetic diseases. Identifiers: MedGen C0950123, MeSH D030342.
Charcot-Marie-Tooth disease dominant intermediate E. Also called: CHARCOT-MARIE-TOOTH NEUROPATHY WITH FOCAL SEGMENTAL GLOMERULONEPHRITIS. Identifiers: Orphanet 93114, MedGen C4302667, MONDO:0013758, OMIM 614455.

Allele frequency attached by ClinVar (database versions not stated): gnomAD exomes 0.00051; ExAC 0.00097; 1000 Genomes Project 30x 0.00109; 1000 Genomes Project 0.00140; gnomAD 0.00014 and 0.00019; TOPMed 0.00039.
gnomAD v4.1: 313 of 1,575,140 alleles (0.02%); highest among the groups gnomAD compares: East Asian, 0.68%; 1 homozygote.

Submissions (5):

Labcorp Genetics (formerly Invitae), Labcorp
Classification: Benign for Charcot-Marie-Tooth disease dominant intermediate E; Focal segmental glomerulosclerosis 5. Last evaluated: 2026-01-24. Review status: criteria provided, single submitter. Criteria: Invitae Variant Classification Sherloc (09022015). Collection method: clinical testing. Allele origin: germline.

Fulgent Genetics
Classification: Likely benign for Focal segmental glomerulosclerosis 5; Charcot-Marie-Tooth disease dominant intermediate E. Last evaluated: 2022-04-15. Review status: criteria provided, single submitter. Criteria: ACMG Guidelines, 2015. Collection method: clinical testing. Allele origin: unknown.

GeneDx
Classification: Benign. Last evaluated: 2020-10-20. Review status: criteria provided, single submitter. Criteria: GeneDx Variant Classification Process June 2021. Collection method: clinical testing. Allele origin: germline. Affected: yes.

Ambry Genetics
Classification: Likely benign for Inborn genetic diseases. Last evaluated: 2019-07-11. Review status: criteria provided, single submitter. Criteria: Ambry Variant Classification Scheme 2023. Collection method: clinical testing. Allele origin: germline.

Illumina Laboratory Services, Illumina
Classification: Benign for Focal segmental glomerulosclerosis 5. Last evaluated: 2018-01-12. Review status: criteria provided, single submitter. Criteria: ICSL Variant Classification Criteria 13 December 2019. Collection method: clinical testing. Allele origin: germline.
Comment: This variant was observed in the ICSL laboratory as part of a predisposition screen in an ostensibly healthy population. It had not been previously curated by ICSL or reported in the Human Gene Mutation Database (HGMD: prior to June 1st, 2018), and was therefore a candidate for classification through an automated scoring system. Utilizing variant allele frequency, disease prevalence and penetrance estimates, and inheritance mode, an automated score was calculated to assess if this variant is too frequent to cause the disease. Based on the score and internal cut-off values, a variant classified as benign is not then subjected to further curation. The score for this variant resulted in a classification of benign for this disease.